The following is an entry in ClinVar:

ClinVar aggregate classification (germline): Uncertain significance (1 of 4 stars; one submission).

Conditions:
Inborn genetic diseases. Identifiers: MedGen C0950123, MeSH D030342.

Allele frequency attached by ClinVar (database versions not stated): ExAC 0.00001; gnomAD 0.00001; gnomAD exomes 0.00003; TOPMed 0.00003.
gnomAD v4.1: 41 of 1,614,046 alleles (0.0025%); highest among the groups gnomAD compares: Non-Finnish European, 0.0031%; no homozygotes.

Submission:

Ambry Genetics
Classification: Uncertain significance for Inborn genetic diseases. Last evaluated: 2020-10-19. Review status: criteria provided, single submitter. Criteria: Ambry Variant Classification Scheme 2023. Collection method: clinical testing. Allele origin: germline.
Comment: The p.I1361M variant (also known as c.4083C>G), located in coding exon 30 of the SBF2 gene, results from a C to G substitution at nucleotide position 4083. The isoleucine at codon 1361 is replaced by methionine, an amino acid with highly similar properties. This amino acid position is poorly conserved in available vertebrate species. In addition, this alteration is predicted to be tolerated by in silico analysis. Since supporting evidence is limited at this time, the clinical significance of this alteration remains unclear.

NM_030962.4(SBF2):c.4083C>G (p.Ile1361Met)

Gene: SBF2 (SET binding factor 2; minus strand). Cytogenetic location: 11p15.4.
Variant type: single nucleotide variant.
Coding change: c.4083C>G on transcript NM_030962.4 (MANE Select); coding-DNA position 4083, C replaced by G.
Protein change: p.Ile1361Met; replaces isoleucine 1361 with methionine.
Molecular consequence: missense variant.
Genome position (GRCh38, 1-based): chr11:9,812,604, G>C on the plus strand (C>G on the coding strand, the complement: SBF2 is on the minus strand). VCF-style: chr11-9812604-G-C. GRCh37 (hg19) VCF-style: chr11-9834151-G-C.
Other names: c.4179C>G, p.Ile1393Met (NM_001386339.1); c.3954C>G, p.Ile1318Met (NM_001386342.1); short protein forms I1393M, I1361M, I1318M.
Identifiers: ClinVar variation 1737646 (VCV001737646.2), dbSNP rs760902659, ClinGen allele CA5881070.
Genomic context (GRCh38, chr11:9,812,604, plus strand): 5'-CTCAGAATCTCCCAGCGCTTTCAGGAAGGTCACTTCTGAGTCAGTAGGGATGGTGCTTGG[G>C]ATACAAGCCCTCATCAGCTTCTTAAAACTGGCTTTCACTTGCCGGATTTCATGAAATTCA-3'
Protein context (NP_112224.1, residues 1351-1371): ASFKKLMRAC[Ile1361Met]PSTIPTDSEV